The following is an entry in ClinVar:

ClinVar aggregate classification (germline): Uncertain significance. Review status: criteria provided, multiple submitters, no conflicts (2 of 4 stars). 4 submissions from 4 submitters: Uncertain significance (4). Last evaluated 2025-03-18.

Conditions:
Inborn genetic diseases. Identifiers: MedGen C0950123, MeSH D030342.
Osteogenesis imperfecta type 8 (OI8). Identifiers: MedGen C1970458, MONDO:0012581, OMIM 610915.

Allele frequency attached by ClinVar (database versions not stated): gnomAD 0.00003 and 0.00004; ExAC 0.00004; TOPMed 0.00006; ESP Exome Variant Server 0.00015.
gnomAD v4.1: 168 of 1,614,062 alleles (0.01%); highest among the groups gnomAD compares: Non-Finnish European, 0.013%; no homozygotes.

Submissions (4):

Ambry Genetics
Classification: Uncertain significance for Inborn genetic diseases. Last evaluated: 2025-03-18. Review status: criteria provided, single submitter. Criteria: Ambry Variant Classification Scheme 2023. Collection method: clinical testing. Allele origin: germline.

Genome-Nilou Lab
Classification: Uncertain significance for Osteogenesis imperfecta type 8. Last evaluated: 2023-04-11. Review status: criteria provided, single submitter. Criteria: ACMG Guidelines, 2015. Collection method: clinical testing. Allele origin: germline. Affected: no.

Labcorp Genetics (formerly Invitae), Labcorp
Classification: Uncertain significance for Osteogenesis imperfecta type 8. Last evaluated: 2022-07-15. Review status: criteria provided, single submitter. Criteria: Invitae Variant Classification Sherloc (09022015). Collection method: clinical testing. Allele origin: germline.
Comment: This sequence change replaces glutamic acid, which is acidic and polar, with lysine, which is basic and polar, at codon 429 of the P3H1 protein (p.Glu429Lys). This variant is present in population databases (rs141759655, gnomAD 0.006%). This variant has not been reported in the literature in individuals affected with P3H1-related conditions. ClinVar contains an entry for this variant (Variation ID: 951495). Algorithms developed to predict the effect of missense changes on protein structure and function are either unavailable or do not agree on the potential impact of this missense change (SIFT: "Deleterious"; PolyPhen-2: "Benign"; Align-GVGD: "Class C0"). In summary, the available evidence is currently insufficient to determine the role of this variant in disease. Therefore, it has been classified as a Variant of Uncertain Significance.

Fulgent Genetics
Classification: Uncertain significance for Osteogenesis imperfecta type 8. Last evaluated: 2021-12-13. Review status: criteria provided, single submitter. Criteria: ACMG Guidelines, 2015. Collection method: clinical testing. Allele origin: unknown.

NM_022356.4(P3H1):c.1285G>A (p.Glu429Lys)

Gene: P3H1 (prolyl 3-hydroxylase 1; minus strand). Cytogenetic location: 1p34.2.
Variant type: single nucleotide variant.
Coding change: c.1285G>A on transcript NM_022356.4 (MANE Select); coding-DNA position 1285, G replaced by A.
Protein change: p.Glu429Lys; replaces glutamic acid 429 with lysine.
Molecular consequence: missense variant.
Genome position (GRCh38, 1-based): chr1:42,754,929, C>T on the plus strand (G>A on the coding strand, the complement: P3H1 is on the minus strand). VCF-style: chr1-42754929-C-T. GRCh37 (hg19) VCF-style: chr1-43220600-C-T.
Other names: c.1285G>A, p.Glu429Lys (NM_001146289.2, NM_001243246.2); short protein forms E429K.
Identifiers: ClinVar variation 951495 (VCV000951495.7), dbSNP rs141759655, ClinGen allele CA801892.